The following is an entry in ClinVar:

NM_000341.4(SLC3A1):c.1221dup (p.Pro408fs)

Gene: SLC3A1 (solute carrier family 3 member 1; plus strand). Cytogenetic location: 2p21.
Variant type: Duplication.
Coding change: c.1221dup on transcript NM_000341.4 (MANE Select); coding-DNA position 1221, one base duplicated (T; older notation c.1221dupT).
Protein change: p.Pro408fs; shifts the reading frame from proline 408.
Molecular consequence: frameshift variant.
Genome position (GRCh38, 1-based): chr2:44,304,227, T duplicated; the last of 4 consecutive T bases (chr2:44,304,224-44,304,227); duplicating any one gives the same sequence. VCF-style (leftmost placement, unchanged base first): chr2-44304223-A-AT. GRCh37 (hg19) VCF-style: chr2-44531362-A-AT.
Other names: short protein forms P408fs.
Identifiers: ClinVar variation 3046942 (VCV003046942.2), dbSNP rs1672093562, ClinGen allele CA425922182.

ClinVar aggregate classification (germline): Pathogenic (0 of 4 stars; one submission).

Conditions:
SLC3A1-related disorder. Also called: SLC3A1-related condition.

Submission:

PreventionGenetics, part of Exact Sciences
Classification: Pathogenic for SLC3A1-related condition. Last evaluated: 2024-02-12. Review status: no assertion criteria provided. Collection method: clinical testing. Allele origin: germline.
Comment: The SLC3A1 c.1221dupT variant is predicted to result in a frameshift and premature protein termination (p.Pro408Serfs*19). This variant was reported in an individual from a cystinuria cohort (Font-Llitjos et al 2005. PubMed ID: 15635077). This variant has not been reported in a large population database, indicating this variant is rare. Frameshift variants in SLC3A1 are expected to be pathogenic. This variant is interpreted as pathogenic.